The following is an entry in ClinVar:

ClinVar aggregate classification (germline): Uncertain significance. Review status: criteria provided, multiple submitters, no conflicts (2 of 4 stars). 2 submissions from 2 submitters: Uncertain significance (2). Last evaluated 2026-01-19.

Conditions:
Hereditary cancer-predisposing syndrome. Also called: Hereditary Cancer Syndrome; Tumor predisposition; Hereditary neoplastic syndrome; Neoplastic Syndromes, Hereditary. Identifiers: Orphanet 140162, MedGen C0027672, MeSH D009386, MONDO:0015356.

gnomAD v4.1: 1 of 1,613,820 alleles (0.000062%); no homozygotes.

Submissions (2):

Labcorp Genetics (formerly Invitae), Labcorp
Classification: Uncertain significance. Last evaluated: 2026-01-19. Review status: criteria provided, single submitter. Criteria: Invitae Variant Classification Sherloc (09022015). Collection method: clinical testing. Allele origin: germline.
Comment: This sequence change replaces glutamic acid, which is acidic and polar, with lysine, which is basic and polar, at codon 2205 of the POLE protein (p.Glu2205Lys). This variant is not present in population databases (gnomAD no frequency). This variant has not been reported in the literature in individuals affected with POLE-related conditions. ClinVar contains an entry for this variant (Variation ID: 644932). Invitae Evidence Modeling of protein sequence and biophysical properties (such as structural, functional, and spatial information, amino acid conservation, physicochemical variation, residue mobility, and thermodynamic stability) indicates that this missense variant is not expected to disrupt POLE protein function with a negative predictive value of 80%. In summary, the available evidence is currently insufficient to determine the role of this variant in disease. Therefore, it has been classified as a Variant of Uncertain Significance.

Ambry Genetics
Classification: Uncertain significance for Hereditary cancer-predisposing syndrome. Last evaluated: 2025-02-04. Review status: criteria provided, single submitter. Criteria: Ambry Variant Classification Scheme 2023. Collection method: clinical testing. Allele origin: germline.
Comment: The p.E2205K variant (also known as c.6613G>A), located in coding exon 47 of the POLE gene, results from a G to A substitution at nucleotide position 6613. The glutamic acid at codon 2205 is replaced by lysine, an amino acid with similar properties. This amino acid position is well conserved in available vertebrate species. In addition, the in silico prediction for this alteration is inconclusive. Based on the available evidence, the clinical significance of this variant remains unclear.

NM_006231.4(POLE):c.6613G>A (p.Glu2205Lys)

Gene: POLE (DNA polymerase epsilon, catalytic subunit; minus strand). Cytogenetic location: 12q24.33.
Variant type: single nucleotide variant.
Coding change: c.6613G>A on transcript NM_006231.4 (MANE Select); coding-DNA position 6613, G replaced by A.
Protein change: p.Glu2205Lys; replaces glutamic acid 2205 with lysine.
Molecular consequence: missense variant.
Genome position (GRCh38, 1-based): chr12:132,625,689, C>T on the plus strand (G>A on the coding strand, the complement: POLE is on the minus strand). VCF-style: chr12-132625689-C-T. GRCh37 (hg19) VCF-style: chr12-133202275-C-T.
Other names: c.6613G>A (NM_006231.2); short protein forms E2205K.
Identifiers: ClinVar variation 644932 (VCV000644932.11), dbSNP rs1593696346, ClinGen allele CA387366574.